The following is an entry in ClinVar:

NM_001701.4(BAAT):c.178C>T (p.Leu60=)

Gene: BAAT (bile acid-CoA:amino acid N-acyltransferase; minus strand). Cytogenetic location: 9q31.1.
Variant type: single nucleotide variant.
Coding change: c.178C>T on transcript NM_001701.4 (MANE Select); coding-DNA position 178, C replaced by T.
Protein change: p.Leu60=; no amino-acid change (leucine 60 retained).
Molecular consequence: synonymous variant.
Genome position (GRCh38, 1-based): chr9:101,371,227, G>A on the plus strand (C>T on the coding strand, the complement: BAAT is on the minus strand). VCF-style: chr9-101371227-G-A. GRCh37 (hg19) VCF-style: chr9-104133509-G-A.
Other names: c.178C>T, p.Leu60= (NM_001127610.2, NM_001374715.1).
Identifiers: ClinVar variation 364282 (VCV000364282.8), dbSNP rs374248798, ClinGen allele CA5160766.

ClinVar aggregate classification (germline): Uncertain significance. Review status: criteria provided, multiple submitters, no conflicts (2 of 4 stars). 3 submissions from 3 submitters: Uncertain significance (2). 1 of the submissions does not count toward it. Last evaluated 2018-01-13.

Conditions:
Hypercholanemia, familial 1 (FHCA1). Identifiers: Orphanet 238475, MedGen C5542604, MONDO:0031446, OMIM 607748.
BAAT-related disorder. Also called: BAAT-related condition.

Allele frequency attached by ClinVar (database versions not stated): ExAC 0.00002; gnomAD 0.00003 and 0.00004; gnomAD exomes 0.00004 and 0.00011; TOPMed 0.00006; ESP Exome Variant Server 0.00008.

Submissions (3):

Illumina Laboratory Services, Illumina
Classification: Uncertain significance for Hypercholanemia, familial 1. Last evaluated: 2018-01-13. Review status: criteria provided, single submitter. Criteria: ICSL Variant Classification Criteria 13 December 2019. Collection method: clinical testing. Allele origin: germline.

Breakthrough Genomics
Classification: Uncertain significance. Review status: criteria provided, single submitter. Criteria: ACMG Guidelines, 2015. Collection method: not provided. Allele origin: germline. Inheritance: Autosomal recessive inheritance. Affected: yes.

PreventionGenetics, part of Exact Sciences
Classification: Likely benign for BAAT-related condition. Last evaluated: 2021-05-03. Review status: no assertion criteria provided. Collection method: clinical testing. Allele origin: germline. Not counted in ClinVar's aggregate classification.
Comment: This variant is classified as likely benign based on ACMG/AMP sequence variant interpretation guidelines (Richards et al. 2015 PMID: 25741868, with internal and published modifications).